The following is an entry in ClinVar:

NM_005762.3(TRIM28):c.354C>T (p.Pro118=)

Gene: TRIM28 (tripartite motif containing 28; plus strand). Cytogenetic location: 19q13.43.
Variant type: single nucleotide variant.
Coding change: c.354C>T on transcript NM_005762.3 (MANE Select); coding-DNA position 354, C replaced by T.
Protein change: p.Pro118=; no amino-acid change (proline 118 retained).
Molecular consequence: synonymous variant.
Genome position (GRCh38, 1-based): chr19:58,545,438, C>T. VCF-style: chr19-58545438-C-T. GRCh37 (hg19) VCF-style: chr19-59056805-C-T.
Identifiers: ClinVar variation 777513 (VCV000777513.13), dbSNP rs75494560, ClinGen allele CA9718831.
Genomic context (GRCh38, chr19:58,545,438, plus strand): 5'-CCTGGGTGGGAACTTGTAACAGTCTCCCACATCCCTGCTTCTCGAAGTGGTGGACTGTCC[C>T]GTGTGCAAGCAACAGTGCTTCTCCAAAGACATCGTGGAGAATTATTTCATGCGTGATAGT-3'
Protein context (NP_005753.1, residues 108-128): AAGDGTVVDC[Pro118=]VCKQQCFSKD

ClinVar aggregate classification (germline): Benign/Likely benign. Review status: criteria provided, multiple submitters, no conflicts (2 of 4 stars). 3 submissions from 3 submitters: Benign (2); Likely benign (1). Last evaluated 2025-10-08.

Allele frequency attached by ClinVar (database versions not stated): gnomAD exomes 0.00029; gnomAD 0.00357 and 0.00379; TOPMed 0.00391; ESP Exome Variant Server 0.00431; 1000 Genomes Project 0.00479; 1000 Genomes Project 30x 0.00609.
gnomAD v4.1: 995 of 1,609,198 alleles (0.062%); highest among the groups gnomAD compares: African/African-American, 1.2%; 4 homozygotes.

Submissions (3):

Labcorp Genetics (formerly Invitae), Labcorp
Classification: Benign. Last evaluated: 2025-10-08. Review status: criteria provided, single submitter. Criteria: Invitae Variant Classification Sherloc (09022015). Collection method: clinical testing. Allele origin: germline.

CeGaT Center for Human Genetics Tuebingen
Classification: Likely benign. Last evaluated: 2025-04-01. Review status: criteria provided, single submitter. Criteria: CeGaT Center For Human Genetics Tuebingen Variant Classification Criteria Version 2. Collection method: clinical testing. Allele origin: germline. Affected: yes. Observed: 1 variant allele.
Comment: TRIM28: BP4, BP7, BS1

Breakthrough Genomics
Classification: Benign. Review status: criteria provided, single submitter. Criteria: ACMG Guidelines, 2015. Collection method: not provided. Allele origin: germline. Inheritance: Unknown mechanism. Affected: yes.